The following is an entry in ClinVar:

NM_000059.4(BRCA2):c.4232C>G (p.Ala1411Gly)

Gene: BRCA2 (BRCA2 DNA repair associated; plus strand). Cytogenetic location: 13q13.1.
Variant type: single nucleotide variant.
Coding change: c.4232C>G on transcript NM_000059.4 (MANE Select); coding-DNA position 4232, C replaced by G.
Protein change: p.Ala1411Gly; replaces alanine 1411 with glycine.
Molecular consequence: missense variant.
Genome position (GRCh38, 1-based): chr13:32,338,587, C>G. VCF-style: chr13-32338587-C-G. GRCh37 (hg19) VCF-style: chr13-32912724-C-G.
Other names: short protein forms A1411G.
Identifiers: ClinVar variation 186914 (VCV000186914.17), dbSNP rs786203320, ClinGen allele CA019754.

ClinVar aggregate classification (germline): Conflicting classifications of pathogenicity. Review status: criteria provided, conflicting classifications (1 of 4 stars). 3 submissions from 3 submitters: Uncertain significance (1); Likely benign (2). Last evaluated 2024-08-11.

Conditions:
Hereditary cancer-predisposing syndrome. Also called: Neoplastic Syndromes, Hereditary; Tumor predisposition; Hereditary Cancer Syndrome; Hereditary neoplastic syndrome. Identifiers: Orphanet 140162, MedGen C0027672, MeSH D009386, MONDO:0015356.
Hereditary breast ovarian cancer syndrome. Also called: Hereditary breast and ovarian cancer; Hereditary breast and/or ovarian cancer syndrome; BRCA1- and BRCA2-Associated Hereditary Breast and Ovarian Cancer; Hereditary breast and ovarian cancer syndrome (HBOC); Hereditary breast and ovarian cancer syndrome; Breast and ovarian cancer. Identifiers: Orphanet 145, MedGen C0677776, MeSH D061325, MONDO:0003582. Disease mechanism: loss of function.

Submissions (3):

Ambry Genetics
Classification: Likely benign for Hereditary cancer-predisposing syndrome. Last evaluated: 2024-08-11. Review status: criteria provided, single submitter. Criteria: Ambry Variant Classification Scheme 2023. Collection method: clinical testing. Allele origin: germline.

University of Washington Department of Laboratory Medicine, University of Washington
Classification: Likely benign for Hereditary cancer-predisposing syndrome. Last evaluated: 2023-03-23. Review status: criteria provided, single submitter. Criteria: Dines et al. (Genet Med. 2020). Collection method: curation. Allele origin: germline.
Comment: Missense variant in a coldspot region where missense variants are very unlikely to be pathogenic (PMID:31911673).

BRCA2 exon 11 coldspot. Reclassification based on statistical prior probability.

Labcorp Genetics (formerly Invitae), Labcorp
Classification: Uncertain significance for Hereditary breast ovarian cancer syndrome. Last evaluated: 2020-05-12. Review status: criteria provided, single submitter. Criteria: Invitae Variant Classification Sherloc (09022015). Collection method: clinical testing. Allele origin: germline.
Comment: In summary, the available evidence is currently insufficient to determine the role of this variant in disease. Therefore, it has been classified as a Variant of Uncertain Significance. Algorithms developed to predict the effect of sequence changes on RNA splicing suggest that this variant may create or strengthen a splice site, but this prediction has not been confirmed by published transcriptional studies. Algorithms developed to predict the effect of missense changes on protein structure and function (SIFT, PolyPhen-2, Align-GVGD) all suggest that this variant is likely to be tolerated, but these predictions have not been confirmed by published functional studies and their clinical significance is uncertain. This variant has not been reported in the literature in individuals with BRCA2-related conditions. ClinVar contains an entry for this variant (Variation ID: 186914). This variant is not present in population databases (ExAC no frequency). This sequence change replaces alanine with glycine at codon 1411 of the BRCA2 protein (p.Ala1411Gly). The alanine residue is weakly conserved and there is a small physicochemical difference between alanine and glycine.